The following is an entry in ClinVar:

ClinVar aggregate classification (germline): Uncertain significance. Review status: criteria provided, multiple submitters, no conflicts (2 of 4 stars). 4 submissions from 2 submitters: Uncertain significance (4). Last evaluated 2022-07-25.

Conditions:
Age related macular degeneration 5. Identifiers: MedGen C3151063, MONDO:0013409, OMIM 613761.
Cerebrooculofacioskeletal syndrome 1 (COFS1). Also called: Cerebro-oculo-facio-skeletal syndrome 1. Identifiers: MedGen C0220722, MONDO:0008955, OMIM 214150.
Cockayne syndrome type 2 (CSB). Also called: COCKAYNE SYNDROME B; Cockayne Syndrome, Type II. Identifiers: Orphanet 191, Orphanet 90322, MedGen C0751038, MONDO:0019570, OMIM 133540.

Allele frequency attached by ClinVar (database versions not stated): gnomAD 0.00001; gnomAD exomes 0.00003 and 0.00002; TOPMed 0.00003; ESP Exome Variant Server 0.00008; ExAC 0.00002.
gnomAD v4.1: 45 of 1,613,532 alleles (0.0028%); highest among the groups gnomAD compares: Middle Eastern, 0.016%; no homozygotes.

Submissions (4):

Labcorp Genetics (formerly Invitae), Labcorp
Classification: Uncertain significance. Last evaluated: 2022-07-25. Review status: criteria provided, single submitter. Criteria: Invitae Variant Classification Sherloc (09022015). Collection method: clinical testing. Allele origin: germline.
Comment: This sequence change replaces tyrosine, which is neutral and polar, with serine, which is neutral and polar, at codon 460 of the ERCC6 protein (p.Tyr460Ser). This variant is present in population databases (rs140135643, gnomAD 0.003%). This variant has not been reported in the literature in individuals affected with ERCC6-related conditions. ClinVar contains an entry for this variant (Variation ID: 878760). Algorithms developed to predict the effect of missense changes on protein structure and function are either unavailable or do not agree on the potential impact of this missense change (SIFT: "Deleterious"; PolyPhen-2: "Benign"; Align-GVGD: "Class C65"). In summary, the available evidence is currently insufficient to determine the role of this variant in disease. Therefore, it has been classified as a Variant of Uncertain Significance.

Illumina Laboratory Services, Illumina
Classification: Uncertain significance for Age related macular degeneration 5. Last evaluated: 2018-01-13. Review status: criteria provided, single submitter. Criteria: ICSL Variant Classification Criteria 13 December 2019. Collection method: clinical testing. Allele origin: germline.

Illumina Laboratory Services, Illumina
Classification: Uncertain significance for Cerebrooculofacioskeletal syndrome 1. Last evaluated: 2018-01-13. Review status: criteria provided, single submitter. Criteria: ICSL Variant Classification Criteria 13 December 2019. Collection method: clinical testing. Allele origin: germline.

Illumina Laboratory Services, Illumina
Classification: Uncertain significance for Cockayne syndrome type 2. Last evaluated: 2018-01-13. Review status: criteria provided, single submitter. Criteria: ICSL Variant Classification Criteria 13 December 2019. Collection method: clinical testing. Allele origin: germline.

NM_000124.4(ERCC6):c.1379A>C (p.Tyr460Ser)

Genes: ERCC6 (ERCC excision repair 6, chromatin remodeling factor; minus strand), PGBD3 (piggyBac transposable element derived 3; minus strand). Cytogenetic location: 10q11.23.
Variant type: single nucleotide variant.
Coding change: c.1379A>C on transcript NM_000124.4 (MANE Select); coding-DNA position 1379, A replaced by C.
Protein change: p.Tyr460Ser; replaces tyrosine 460 with serine.
Molecular consequence: missense variant. On other transcripts: 5 prime UTR variant (1).
Genome position (GRCh38, 1-based): chr10:49,524,051, T>G on the plus strand (A>C on the coding strand, the complement: ERCC6 is on the minus strand). VCF-style: chr10-49524051-T-G. GRCh37 (hg19) VCF-style: chr10-50732097-T-G.
Other names: c.1379A>C, p.Tyr460Ser (NM_001277058.2, NM_001277059.2, NM_001346440.2); c.-26A>C (NM_170753.3); short protein forms Y460S.
Identifiers: ClinVar variation 878760 (VCV000878760.5), dbSNP rs140135643, ClinGen allele CA5496338.